The following is an entry in ClinVar:

ClinVar aggregate classification (germline): Uncertain significance (1 of 4 stars; one submission).

Conditions:
Myopathy with tubular aggregates (TAM). Also called: Tubular Aggregate Myopathy. Identifiers: Orphanet 2593, MedGen C0410207, MONDO:0008051.
Combined immunodeficiency due to STIM1 deficiency. Also called: IMMUNODEFICIENCY 10; STIM1 DEFICIENCY. Identifiers: Orphanet 169090, Orphanet 317430, MedGen C2748557, MONDO:0013008, OMIM 612783.
Stormorken syndrome (STRMK). Also called: THROMBOCYTOPATHY, ASPLENIA, AND MIOSIS. Identifiers: Orphanet 3204, MedGen C1861451, MONDO:0008497, OMIM 185070.

Submission:

Labcorp Genetics (formerly Invitae), Labcorp
Classification: Uncertain significance for Myopathy with tubular aggregates; Combined immunodeficiency due to STIM1 deficiency; Stormorken syndrome. Last evaluated: 2025-10-22. Review status: criteria provided, single submitter. Criteria: Invitae Variant Classification Sherloc (09022015). Collection method: clinical testing. Allele origin: germline.
Comment: This sequence change replaces glycine, which is neutral and non-polar, with aspartic acid, which is acidic and polar, at codon 659 of the STIM1 protein (p.Gly659Asp). This variant is not present in population databases (gnomAD no frequency). This variant has not been reported in the literature in individuals affected with STIM1-related conditions. ClinVar contains an entry for this variant (Variation ID: 1713322). Invitae Evidence Modeling of protein sequence and biophysical properties (such as structural, functional, and spatial information, amino acid conservation, physicochemical variation, residue mobility, and thermodynamic stability) has been performed for this missense variant. However, the output from this modeling did not meet the statistical confidence thresholds required to predict the impact of this variant on STIM1 protein function. In summary, the available evidence is currently insufficient to determine the role of this variant in disease. Therefore, it has been classified as a Variant of Uncertain Significance.

NM_001382567.1(STIM1):c.2069G>A (p.Gly690Asp)

Genes: STIM1 (stromal interaction molecule 1; plus strand), LOC124418421 (Sharpr-MPRA regulatory region 9588; plus strand). Cytogenetic location: 11p15.4.
Variant type: single nucleotide variant.
Coding change: c.2069G>A on transcript NM_001382567.1 (MANE Select); coding-DNA position 2069, G replaced by A.
Protein change: p.Gly690Asp; replaces glycine 690 with aspartic acid.
Molecular consequence: missense variant. On other transcripts: 3 prime UTR variant (4), non-coding transcript variant (3).
Genome position (GRCh38, 1-based): chr11:4,091,716, G>A. VCF-style: chr11-4091716-G-A. GRCh37 (hg19) VCF-style: chr11-4112946-G-A.
Other names: c.2294G>A, p.Gly765Asp (NM_001277961.3); c.*390G>A (NM_001277962.2, NM_001382578.1, NM_001382579.1 and 1 more transcripts); c.2072G>A, p.Gly691Asp (NM_001382566.1); c.1997G>A, p.Gly666Asp (NM_001382568.1); c.1841G>A, p.Gly614Asp (NM_001382569.1); c.1748G>A, p.Gly583Asp (NM_001382570.1); c.1496G>A, p.Gly499Asp (NM_001382571.1); c.1754G>A, p.Gly585Asp (NM_001382575.1, NM_001382576.1, NM_001382577.1); and 2 more; short protein forms G765D, G496D, G499D, G583D, G585D, G614D, G659D, G666D.
Identifiers: ClinVar variation 1713322 (VCV001713322.6), dbSNP rs2498546890, ClinGen allele CA379198160.